The following is an entry in ClinVar:

ClinVar aggregate classification (germline): Uncertain significance (1 of 4 stars; one submission).

Submission:

Labcorp Genetics (formerly Invitae), Labcorp
Classification: Uncertain significance. Last evaluated: 2021-08-07. Review status: criteria provided, single submitter. Criteria: Invitae Variant Classification Sherloc (09022015). Collection method: clinical testing. Allele origin: germline.
Comment: In summary, the available evidence is currently insufficient to determine the role of this variant in disease. Therefore, it has been classified as a Variant of Uncertain Significance. Algorithms developed to predict the effect of sequence changes on RNA splicing suggest that this variant may create or strengthen a splice site. Experimental studies and prediction algorithms are not available or were not evaluated, and the functional significance of this variant is currently unknown. This variant has not been reported in the literature in individuals affected with CSF1R-related conditions. This variant is not present in population databases (ExAC no frequency). This sequence change creates a premature translational stop signal (p.Gln956*) in the CSF1R gene. While this is not anticipated to result in nonsense mediated decay, it is expected to disrupt the last 17 amino acid(s) of the CSF1R protein.

NM_001288705.3(CSF1R):c.2866C>T (p.Gln956Ter)

Gene: CSF1R (colony stimulating factor 1 receptor; minus strand). Cytogenetic location: 5q32.
Variant type: single nucleotide variant.
Coding change: c.2866C>T on transcript NM_001288705.3 (MANE Select); coding-DNA position 2866, C replaced by T.
Protein change: p.Gln956Ter; replaces glutamine 956 with a stop codon.
Molecular consequence: nonsense. On other transcripts: non-coding transcript variant (2).
Genome position (GRCh38, 1-based): chr5:150,054,122, G>A on the plus strand (C>T on the coding strand, the complement: CSF1R is on the minus strand). VCF-style: chr5-150054122-G-A. GRCh37 (hg19) VCF-style: chr5-149433685-G-A.
Other names: c.2866C>T, p.Gln956Ter (NM_001349736.2, NM_001375320.1, NM_005211.4); c.2422C>T, p.Gln808Ter (NM_001375321.1); short protein forms Q808*, Q956*.
Identifiers: ClinVar variation 1409866 (VCV001409866.6), dbSNP rs2113772523, ClinGen allele CA361756127.